The following is an entry in ClinVar:

ClinVar aggregate classification (germline): Uncertain significance (1 of 4 stars; one submission).

Conditions:
AFF4-related disorder. Also called: AFF4-related condition.

gnomAD v4.1: 1 of 1,607,694 alleles (0.000062%); highest among the groups gnomAD compares: Admixed American, 0.0017%; no homozygotes.

Submission:

PreventionGenetics, part of Exact Sciences
Classification: Uncertain significance for AFF4-related condition. Last evaluated: 2026-03-11. Review status: criteria provided, single submitter. Criteria: ACMG Guidelines, 2015. Collection method: clinical testing. Allele origin: germline.
Comment: The AFF4 c.1127C>T variant is predicted to result in the amino acid substitution p.Ser376Phe. To our knowledge, this variant has not been reported in the literature. This variant is reported in 0.0029% of alleles in individuals of Latino descent in gnomAD. At this time, the clinical significance of this variant is uncertain due to the absence of conclusive functional and genetic evidence.

NM_014423.4(AFF4):c.1127C>T (p.Ser376Phe)

Gene: AFF4 (ALF transcription elongation factor 4; minus strand). Cytogenetic location: 5q31.1.
Variant type: single nucleotide variant.
Coding change: c.1127C>T on transcript NM_014423.4 (MANE Select); coding-DNA position 1127, C replaced by T.
Protein change: p.Ser376Phe; replaces serine 376 with phenylalanine.
Molecular consequence: missense variant.
Genome position (GRCh38, 1-based): chr5:132,902,448, G>A on the plus strand (C>T on the coding strand, the complement: AFF4 is on the minus strand). VCF-style: chr5-132902448-G-A. GRCh37 (hg19) VCF-style: chr5-132238140-G-A.
Other names: short protein forms S376F.
Identifiers: ClinVar variation 4994788 (VCV004994788.1).